The following is an entry in ClinVar:

NM_006766.5(KAT6A):c.162T>C (p.Ser54=)

Gene: KAT6A (lysine acetyltransferase 6A; minus strand). Cytogenetic location: 8p11.21.
Variant type: single nucleotide variant.
Coding change: c.162T>C on transcript NM_006766.5 (MANE Select); coding-DNA position 162, T replaced by C.
Protein change: p.Ser54=; no amino-acid change (serine 54 retained).
Molecular consequence: synonymous variant.
Genome position (GRCh38, 1-based): chr8:42,048,816, A>G on the plus strand (T>C on the coding strand, the complement: KAT6A is on the minus strand). VCF-style: chr8-42048816-A-G. GRCh37 (hg19) VCF-style: chr8-41906334-A-G.
Other names: c.162T>C, p.Ser54= (NM_001305878.2).
Identifiers: ClinVar variation 4533947 (VCV004533947.6).

ClinVar aggregate classification (germline): Likely benign (1 of 4 stars; one submission).

gnomAD v4.1: 1 of 1,614,052 alleles (0.000062%); no homozygotes.

Submission:

CeGaT Center for Human Genetics Tuebingen
Classification: Likely benign. Last evaluated: 2025-11-01. Review status: criteria provided, single submitter. Criteria: CeGaT Center For Human Genetics Tuebingen Variant Classification Criteria Version 2. Collection method: clinical testing. Allele origin: germline. Affected: yes. Observed: 1 variant allele.
Comment: KAT6A: BP4, BP7